The following is an entry in ClinVar:

NM_015311.3(OBSL1):c.3839G>A (p.Arg1280Gln)

Gene: OBSL1 (obscurin like cytoskeletal adaptor 1; minus strand). Cytogenetic location: 2q35.
Variant type: single nucleotide variant.
Coding change: c.3839G>A on transcript NM_015311.3 (MANE Select); coding-DNA position 3839, G replaced by A.
Protein change: p.Arg1280Gln; replaces arginine 1280 with glutamine.
Molecular consequence: missense variant.
Genome position (GRCh38, 1-based): chr2:219,557,570, C>T on the plus strand (G>A on the coding strand, the complement: OBSL1 is on the minus strand). VCF-style: chr2-219557570-C-T. GRCh37 (hg19) VCF-style: chr2-220422292-C-T.
Other names: c.3839G>A, p.Arg1280Gln (NM_001173431.2); short protein forms R1280Q.
Identifiers: ClinVar variation 897648 (VCV000897648.9), dbSNP rs77287119, ClinGen allele CA2130732.

ClinVar aggregate classification (germline): Conflicting classifications of pathogenicity. Review status: criteria provided, conflicting classifications (1 of 4 stars). 4 submissions from 4 submitters: Uncertain significance (3); Likely benign (1). Last evaluated 2024-11-04.

Conditions:
3M syndrome 2. Also called: 3-M Syndrome, OBSL1-Related; THREE M SYNDROME 2. Identifiers: Orphanet 2616, MedGen C2752041, MONDO:0013039, OMIM 612921.

Allele frequency attached by ClinVar (database versions not stated): TOPMed 0.00008; gnomAD 0.00009 and 0.00021; gnomAD exomes 0.00014 and 0.00028; ExAC 0.00028; 1000 Genomes Project 30x 0.00125; 1000 Genomes Project 0.00180.
gnomAD v4.1: 409 of 1,549,894 alleles (0.026%); highest among the groups gnomAD compares: East Asian, 0.84%; 3 homozygotes.

Submissions (4):

Blueprint Genetics
Classification: Uncertain significance. Last evaluated: 2024-11-04. Review status: criteria provided, single submitter. Criteria: ACMG Guidelines, 2015. Collection method: clinical testing. Allele origin: germline.

Labcorp Genetics (formerly Invitae), Labcorp
Classification: Uncertain significance. Last evaluated: 2022-08-21. Review status: criteria provided, single submitter. Criteria: Invitae Variant Classification Sherloc (09022015). Collection method: clinical testing. Allele origin: germline.
Comment: This sequence change replaces arginine, which is basic and polar, with glutamine, which is neutral and polar, at codon 1280 of the OBSL1 protein (p.Arg1280Gln). This variant is present in population databases (rs77287119, gnomAD 0.1%). This variant has not been reported in the literature in individuals affected with OBSL1-related conditions. ClinVar contains an entry for this variant (Variation ID: 897648). Algorithms developed to predict the effect of missense changes on protein structure and function are either unavailable or do not agree on the potential impact of this missense change (SIFT: "Tolerated"; PolyPhen-2: "Probably Damaging"; Align-GVGD: "Class C0"). In summary, the available evidence is currently insufficient to determine the role of this variant in disease. Therefore, it has been classified as a Variant of Uncertain Significance.

GeneDx
Classification: Uncertain significance. Last evaluated: 2022-08-05. Review status: criteria provided, single submitter. Criteria: GeneDx Variant Classification Process June 2021. Collection method: clinical testing. Allele origin: germline. Affected: yes.
Comment: In silico analysis supports that this missense variant does not alter protein structure/function; Has not been previously published as pathogenic or benign to our knowledge

Illumina Laboratory Services, Illumina
Classification: Likely benign for 3M syndrome 2. Last evaluated: 2018-01-13. Review status: criteria provided, single submitter. Criteria: ICSL Variant Classification Criteria 13 December 2019. Collection method: clinical testing. Allele origin: germline.
Comment: This variant was observed in the ICSL laboratory as part of a predisposition screen in an ostensibly healthy population. It had not been previously curated by ICSL or reported in the Human Gene Mutation Database (HGMD: prior to June 1st, 2018), and was therefore a candidate for classification through an automated scoring system. Utilizing variant allele frequency, disease prevalence and penetrance estimates, and inheritance mode, an automated score was calculated to assess if this variant is too frequent to cause the disease. Based on the score and internal cut-off values, a variant classified as likely benign is not then subjected to further curation. The score for this variant resulted in a classification of likely benign for this disease.